The following is an entry in ClinVar:

ClinVar aggregate classification (germline): Uncertain significance (1 of 4 stars; one submission).

Conditions:
Hereditary cancer-predisposing syndrome. Also called: Neoplastic Syndromes, Hereditary; Tumor predisposition; Hereditary neoplastic syndrome; Hereditary Cancer Syndrome. Identifiers: Orphanet 140162, MedGen C0027672, MeSH D009386, MONDO:0015356.

Submission:

Ambry Genetics
Classification: Uncertain significance for Hereditary cancer-predisposing syndrome. Last evaluated: 2023-09-22. Review status: criteria provided, single submitter. Criteria: Ambry Variant Classification Scheme 2023. Collection method: clinical testing. Allele origin: germline.
Comment: The p.T820S variant (also known as c.2458A>T), located in coding exon 15 of the PMS2 gene, results from an A to T substitution at nucleotide position 2458. The threonine at codon 820 is replaced by serine, an amino acid with similar properties. This amino acid position is conserved. In addition, the in silico prediction for this alteration is inconclusive. Since supporting evidence is limited at this time, the clinical significance of this alteration remains unclear.

NM_000535.7(PMS2):c.2458A>T (p.Thr820Ser)

Gene: PMS2 (PMS1 homolog 2, mismatch repair system component; minus strand). Cytogenetic location: 7p22.1.
Variant type: single nucleotide variant.
Coding change: c.2458A>T on transcript NM_000535.7 (MANE Select); coding-DNA position 2458, A replaced by T.
Protein change: p.Thr820Ser; replaces threonine 820 with serine.
Molecular consequence: missense variant. On other transcripts: non-coding transcript variant (1).
Genome position (GRCh38, 1-based): chr7:5,973,530, T>A on the plus strand (A>T on the coding strand, the complement: PMS2 is on the minus strand). VCF-style: chr7-5973530-T-A. GRCh37 (hg19) VCF-style: chr7-6013161-T-A.
Other names: c.2053A>T, p.Thr685Ser (NM_001018040.1, NM_001322003.2, NM_001322004.2 and 12 more transcripts); c.2302A>T, p.Thr768Ser (NM_001322006.2); c.2140A>T, p.Thr714Ser (NM_001322007.2, NM_001322008.2, NM_001406883.1); c.2086A>T, p.Thr696Ser (NM_001322009.2, NM_001406887.1, NM_001406888.1); c.1897A>T, p.Thr633Ser (NM_001322010.2, NM_001406906.1, NM_001406907.1); c.1525A>T, p.Thr509Ser (NM_001322011.2, NM_001322012.2); c.1885A>T, p.Thr629Ser (NM_001322013.2, NM_001406908.1, NM_001406909.1); c.2491A>T, p.Thr831Ser (NM_001322014.2); and 20 more; short protein forms T419S, T509S, T563S, T581S, T629S, T633S, T649S, T658S.
Identifiers: ClinVar variation 3232015 (VCV003232015.1), dbSNP rs2128659058, ClinGen allele CA366735019.